The following is an entry in ClinVar:

ClinVar aggregate classification (germline): Uncertain significance. Review status: criteria provided, multiple submitters, no conflicts (2 of 4 stars). 3 submissions from 3 submitters: Uncertain significance (3). Last evaluated 2025-10-14.

Conditions:
SRP72-related disorder. Also called: SRP72-related condition.

Allele frequency attached by ClinVar (database versions not stated): TOPMed below 0.00001.

Submissions (3):

Ambry Genetics
Classification: Uncertain significance. Last evaluated: 2025-10-14. Review status: criteria provided, single submitter. Criteria: Ambry Variant Classification Scheme 2023. Collection method: clinical testing. Allele origin: germline.
Comment: The p.G174D variant (also known as c.521G>A), located in coding exon 5 of the SRP72 gene, results from a G to A substitution at nucleotide position 521. The glycine at codon 174 is replaced by aspartic acid, an amino acid with similar properties. This amino acid position is conserved. In addition, this alteration is predicted to be tolerated by in silico analysis. Based on the available evidence, the clinical significance of this variant remains unclear.

GeneDx
Classification: Uncertain significance. Last evaluated: 2024-05-06. Review status: criteria provided, single submitter. Criteria: GeneDx Variant Classification Process June 2021. Collection method: clinical testing. Allele origin: germline. Affected: yes.
Comment: Not observed at significant frequency in large population cohorts (gnomAD); In silico analysis indicates that this missense variant does not alter protein structure/function; Has not been previously published as pathogenic or benign to our knowledge

PreventionGenetics, part of Exact Sciences
Classification: Uncertain significance for SRP72-related condition. Last evaluated: 2023-03-14. Review status: criteria provided, single submitter. Criteria: ACMG Guidelines, 2015. Collection method: clinical testing. Allele origin: germline.
Comment: The SRP72 c.521G>A variant is predicted to result in the amino acid substitution p.Gly174Asp. To our knowledge, this variant has not been reported in the literature or in a large population database, indicating this variant is rare. At this time, the clinical significance of this variant is uncertain due to the absence of conclusive functional and genetic evidence.

NM_006947.4(SRP72):c.521G>A (p.Gly174Asp)

Gene: SRP72 (signal recognition particle 72; plus strand). Cytogenetic location: 4q12.
Variant type: single nucleotide variant.
Coding change: c.521G>A on transcript NM_006947.4 (MANE Select); coding-DNA position 521, G replaced by A.
Protein change: p.Gly174Asp; replaces glycine 174 with aspartic acid.
Molecular consequence: missense variant. On other transcripts: non-coding transcript variant (1).
Genome position (GRCh38, 1-based): chr4:56,474,302, G>A. VCF-style: chr4-56474302-G-A. GRCh37 (hg19) VCF-style: chr4-57340468-G-A.
Other names: c.521G>A, p.Gly174Asp (NM_001267722.2); short protein forms G174D.
Identifiers: ClinVar variation 2633905 (VCV002633905.3), dbSNP rs1720115376, ClinGen allele CA356996896.